The following is an entry in ClinVar:

NM_001375524.1(TRRAP):c.10876A>G (p.Ile3626Val)

Gene: TRRAP (transformation/transcription domain associated protein; plus strand). Cytogenetic location: 7q22.1.
Variant type: single nucleotide variant.
Coding change: c.10876A>G on transcript NM_001375524.1 (MANE Select); coding-DNA position 10876, A replaced by G.
Protein change: p.Ile3626Val; replaces isoleucine 3626 with valine.
Molecular consequence: missense variant.
Genome position (GRCh38, 1-based): chr7:99,008,499, A>G. VCF-style: chr7-99008499-A-G. GRCh37 (hg19) VCF-style: chr7-98606122-A-G.
Other names: c.10834A>G, p.Ile3612Val (NM_001244580.2); c.10747A>G, p.Ile3583Val (NM_003496.4); short protein forms I3583V, I3612V, I3626V.
Identifiers: ClinVar variation 2635441 (VCV002635441.1), dbSNP rs2485072148, ClinGen allele CA368340324.

ClinVar aggregate classification (germline): Uncertain significance (1 of 4 stars; one submission).

Conditions:
TRRAP-related disorder. Also called: TRRAP-related condition.

Submission:

PreventionGenetics, part of Exact Sciences
Classification: Uncertain significance for TRRAP-related condition. Last evaluated: 2022-11-08. Review status: criteria provided, single submitter. Criteria: ACMG Guidelines, 2015. Collection method: clinical testing. Allele origin: germline.
Comment: The TRRAP c.10747A>G variant is predicted to result in the amino acid substitution p.Ile3583Val. To our knowledge, this variant has not been reported in the literature or in a large population database, indicating this variant is rare. At this time, the clinical significance of this variant is uncertain due to the absence of conclusive functional and genetic evidence.